The following is an entry in ClinVar:

NM_001130823.3(DNMT1):c.580C>T (p.Arg194Trp)

Gene: DNMT1 (DNA methyltransferase 1; minus strand). Cytogenetic location: 19p13.2.
Variant type: single nucleotide variant.
Coding change: c.580C>T on transcript NM_001130823.3 (MANE Select); coding-DNA position 580, C replaced by T.
Protein change: p.Arg194Trp; replaces arginine 194 with tryptophan.
Molecular consequence: missense variant.
Genome position (GRCh38, 1-based): chr19:10,175,608, G>A on the plus strand (C>T on the coding strand, the complement: DNMT1 is on the minus strand). VCF-style: chr19-10175608-G-A. GRCh37 (hg19) VCF-style: chr19-10286284-G-A.
Other names: c.532C>T, p.Arg178Trp (NM_001318730.2, NM_001379.4); c.217C>T, p.Arg73Trp (NM_001318731.2); short protein forms R178W, R73W, R194W.
Identifiers: ClinVar variation 3661006 (VCV003661006.2).
Genomic context (GRCh38, chr19:10,175,608, plus strand): 5'-TGTCTTCTTCCTTGATGGACTCATCCGATTTGGCTCTTTCAGACTCTTCCTGAGGTTTCC[G>A]TTTGGCAGGGCTGTCACACACAGTGAGGCCAACCATTAGTGGAACAAGACCCTAGGCCTC-3'
Protein context (NP_001124295.1, residues 184-204): TSHFAKGPAK[Arg194Trp]KPQEESERAK

ClinVar aggregate classification (germline): Uncertain significance (1 of 4 stars; one submission).

Conditions:
Hereditary sensory neuropathy-deafness-dementia syndrome. Also called: Hereditary sensory neuropathy type IE; HSN IE; NEUROPATHY, HEREDITARY SENSORY, WITH HEARING LOSS AND DEMENTIA; Hereditary Sensory and Autonomic Neuropathy Type 1E (HSAN1E). Identifiers: Orphanet 456318, MedGen C3279885, MONDO:0013584, OMIM 614116.

gnomAD v4.1: 2 of 1,613,916 alleles (0.00012%); highest among the groups gnomAD compares: Non-Finnish European, 0.00017%; no homozygotes.

Submission:

Labcorp Genetics (formerly Invitae), Labcorp
Classification: Uncertain significance for Hereditary sensory neuropathy-deafness-dementia syndrome. Last evaluated: 2024-07-31. Review status: criteria provided, single submitter. Criteria: Invitae Variant Classification Sherloc (09022015). Collection method: clinical testing. Allele origin: germline.
Comment: This sequence change replaces arginine, which is basic and polar, with tryptophan, which is neutral and slightly polar, at codon 194 of the DNMT1 protein (p.Arg194Trp). This variant is present in population databases (no rsID available, gnomAD 0.0009%). This variant has not been reported in the literature in individuals affected with DNMT1-related conditions. An algorithm developed to predict the effect of missense changes on protein structure and function (PolyPhen-2) suggests that this variant is likely to be disruptive. In summary, the available evidence is currently insufficient to determine the role of this variant in disease. Therefore, it has been classified as a Variant of Uncertain Significance.